The following is an entry in ClinVar:

NM_015311.3(OBSL1):c.5446C>T (p.Arg1816Cys)

Gene: OBSL1 (obscurin like cytoskeletal adaptor 1; minus strand). Cytogenetic location: 2q35.
Variant type: single nucleotide variant.
Coding change: c.5446C>T on transcript NM_015311.3 (MANE Select); coding-DNA position 5446, C replaced by T.
Protein change: p.Arg1816Cys; replaces arginine 1816 with cysteine.
Molecular consequence: missense variant.
Genome position (GRCh38, 1-based): chr2:219,551,766, G>A on the plus strand (C>T on the coding strand, the complement: OBSL1 is on the minus strand). VCF-style: chr2-219551766-G-A. GRCh37 (hg19) VCF-style: chr2-220416488-G-A.
Other names: c.5446C>T (NM_015311.2); short protein forms R1816C.
Identifiers: ClinVar variation 1408845 (VCV001408845.5), dbSNP rs760986158, ClinGen allele CA2130219.
Genomic context (GRCh38, chr2:219,551,766, plus strand): 5'-CCGAGCGGGACACAGTCACCTCCAGCACCGCCCGGCGGCCCACCAGAACGGTCTTCTCGC[G>A]AGGGGGGTGGCGGCACATCTGGAGAGGCAATGCTGGGGGTAGGGGGCGGGGGCTTAAGTT-3'
Protein context (NP_056126.1, residues 1806-1826): LPLQMCRHPP[Arg1816Cys]EKTVLVGRRA

ClinVar aggregate classification (germline): Uncertain significance. Review status: criteria provided, multiple submitters, no conflicts (2 of 4 stars). 2 submissions from 2 submitters: Uncertain significance (2). Last evaluated 2024-05-14.

Conditions:
Inborn genetic diseases. Identifiers: MedGen C0950123, MeSH D030342.

Allele frequency attached by ClinVar (database versions not stated): TOPMed below 0.00001; gnomAD 0.00002; gnomAD exomes 0.00004 and 0.00006; ExAC 0.00005.
gnomAD v4.1: 59 of 1,593,450 alleles (0.0037%); highest among the groups gnomAD compares: Admixed American, 0.023%; no homozygotes.

Submissions (2):

Ambry Genetics
Classification: Uncertain significance for Inborn genetic diseases. Last evaluated: 2024-05-14. Review status: criteria provided, single submitter. Criteria: Ambry Variant Classification Scheme 2023. Collection method: clinical testing. Allele origin: germline.

Labcorp Genetics (formerly Invitae), Labcorp
Classification: Uncertain significance. Last evaluated: 2021-10-25. Review status: criteria provided, single submitter. Criteria: Invitae Variant Classification Sherloc (09022015). Collection method: clinical testing. Allele origin: germline.
Comment: In summary, the available evidence is currently insufficient to determine the role of this variant in disease. Therefore, it has been classified as a Variant of Uncertain Significance. Algorithms developed to predict the effect of missense changes on protein structure and function are either unavailable or do not agree on the potential impact of this missense change (SIFT: "Deleterious"; PolyPhen-2: "Benign"; Align-GVGD: "Class C0"). This variant has not been reported in the literature in individuals affected with OBSL1-related conditions. This variant is present in population databases (rs760986158, ExAC 0.03%). This sequence change replaces arginine with cysteine at codon 1816 of the OBSL1 protein (p.Arg1816Cys). The arginine residue is moderately conserved and there is a large physicochemical difference between arginine and cysteine.